The following is an entry in ClinVar:

NM_199420.4(POLQ):c.4877A>G (p.Asn1626Ser)

Gene: POLQ (DNA polymerase theta; minus strand). Cytogenetic location: 3q13.33.
Variant type: single nucleotide variant.
Coding change: c.4877A>G on transcript NM_199420.4 (MANE Select); coding-DNA position 4877, A replaced by G.
Protein change: p.Asn1626Ser; replaces asparagine 1626 with serine.
Molecular consequence: missense variant.
Genome position (GRCh38, 1-based): chr3:121,488,054, T>C on the plus strand (A>G on the coding strand, the complement: POLQ is on the minus strand). VCF-style: chr3-121488054-T-C. GRCh37 (hg19) VCF-style: chr3-121206901-T-C.
Other names: short protein forms N1626S.
Identifiers: ClinVar variation 3308699 (VCV003308699.1).

ClinVar aggregate classification (germline): Uncertain significance (1 of 4 stars; one submission).

gnomAD v4.1: 1 of 1,614,070 alleles (0.000062%); highest among the groups gnomAD compares: Non-Finnish European, 0.000085%; no homozygotes.

Submission:

Ambry Genetics
Classification: Uncertain significance. Last evaluated: 2024-05-26. Review status: criteria provided, single submitter. Criteria: Ambry Variant Classification Scheme 2023. Collection method: clinical testing. Allele origin: germline.
Comment: The p.N1626S variant (also known as c.4877A>G), located in coding exon 16 of the POLQ gene, results from an A to G substitution at nucleotide position 4877. The asparagine at codon 1626 is replaced by serine, an amino acid with highly similar properties. This amino acid position is conserved. In addition, this alteration is predicted to be tolerated by in silico analysis. Based on the available evidence, the clinical significance of this variant remains unclear.